The following is an entry in ClinVar:

ClinVar aggregate classification (germline): Uncertain significance (1 of 4 stars; one submission).

Conditions:
Amyotrophic lateral sclerosis type 1 (ALS1). Also called: AMYOTROPHIC LATERAL SCLEROSIS 1, FAMILIAL. Identifiers: Orphanet 803, MedGen C1862939, MONDO:0007103, OMIM 105400.

Allele frequency attached by ClinVar (database versions not stated): TOPMed below 0.00001.

Submission:

Labcorp Genetics (formerly Invitae), Labcorp
Classification: Uncertain significance for Amyotrophic lateral sclerosis type 1. Last evaluated: 2022-10-12. Review status: criteria provided, single submitter. Criteria: Invitae Variant Classification Sherloc (09022015). Collection method: clinical testing. Allele origin: germline.
Comment: In summary, the available evidence is currently insufficient to determine the role of this variant in disease. Therefore, it has been classified as a Variant of Uncertain Significance. Advanced modeling of protein sequence and biophysical properties (such as structural, functional, and spatial information, amino acid conservation, physicochemical variation, residue mobility, and thermodynamic stability) performed at Invitae indicates that this missense variant is expected to disrupt SOD1 protein function. This variant is also known as V97L. This variant has not been reported in the literature in individuals affected with SOD1-related conditions. This variant is not present in population databases (gnomAD no frequency). This sequence change replaces valine, which is neutral and non-polar, with leucine, which is neutral and non-polar, at codon 98 of the SOD1 protein (p.Val98Leu).

NM_000454.5(SOD1):c.292G>C (p.Val98Leu)

Gene: SOD1 (superoxide dismutase 1; plus strand). Cytogenetic location: 21q22.11.
Variant type: single nucleotide variant.
Coding change: c.292G>C on transcript NM_000454.5 (MANE Select); coding-DNA position 292, G replaced by C.
Protein change: p.Val98Leu; replaces valine 98 with leucine.
Molecular consequence: missense variant.
Genome position (GRCh38, 1-based): chr21:31,667,310, G>C. VCF-style: chr21-31667310-G-C. GRCh37 (hg19) VCF-style: chr21-33039623-G-C.
Other names: short protein forms V98L.
Identifiers: ClinVar variation 2138375 (VCV002138375.4), dbSNP rs1555836806, ClinGen allele CA410037478.